The following is an entry in ClinVar:

NM_000277.3(PAH):c.866G>A (p.Gly289Glu)

Genes: PAH (phenylalanine hydroxylase; minus strand), LOC126861615 (CDK7 strongly-dependent group 2 enhancer GRCh37_chr12:103244689-103245888; plus strand). Cytogenetic location: 12q23.2.
Variant type: single nucleotide variant.
Coding change: c.866G>A on transcript NM_000277.3 (MANE Select); coding-DNA position 866, G replaced by A.
Protein change: p.Gly289Glu; replaces glycine 289 with glutamic acid.
Molecular consequence: missense variant.
Genome position (GRCh38, 1-based): chr12:102,851,733, C>T on the plus strand (G>A on the coding strand, the complement: PAH is on the minus strand). VCF-style: chr12-102851733-C-T. GRCh37 (hg19) VCF-style: chr12-103245511-C-T.
Other names: c.866G>A, p.Gly289Glu (NM_001354304.2); short protein forms G289E.
Identifiers: ClinVar variation 3711572 (VCV003711572.2).
Genomic context (GRCh38, chr12:102,851,733, plus strand): 5'-AATCCATTCCTTACCTGGGAAAACTGGGCAAAGCTGCGATCTGAAAACAAGGGCACATGT[C>T]CCAACAGCTCATGGCAGATGTCACTGAAAGACAGAAAGCACAGAGAGCTCGGAGGGGAGG-3'
Protein context (NP_000268.1, residues 279-299): PEPDICHELL[Gly289Glu]HVPLFSDRSF

ClinVar aggregate classification (germline): Pathogenic (1 of 4 stars; one submission).

Conditions:
Phenylketonuria (PKU). Also called: FOLLING DISEASE; OLIGOPHRENIA PHENYLPYRUVICA; Phenylketonurias; Phenylketonuria (PKU). Identifiers: Orphanet 716, MedGen C0031485, MONDO:0009861, OMIM 261600. Disease mechanism: loss of function.

Submission:

Labcorp Genetics (formerly Invitae), Labcorp
Classification: Pathogenic for Phenylketonuria. Last evaluated: 2025-12-19. Review status: criteria provided, single submitter. Criteria: Invitae Variant Classification Sherloc (09022015). Collection method: clinical testing. Allele origin: germline.
Comment: This sequence change replaces glycine, which is neutral and non-polar, with glutamic acid, which is acidic and polar, at codon 289 of the PAH protein (p.Gly289Glu). This variant is not present in population databases (gnomAD no frequency). This missense change has been observed in individual(s) with hyperphenylalaninemia (internal data). In at least one individual the data is consistent with being in trans (on the opposite chromosome) from a pathogenic variant. ClinVar contains an entry for this variant (Variation ID: 3711572). Invitae Evidence Modeling of protein sequence and biophysical properties (such as structural, functional, and spatial information, amino acid conservation, physicochemical variation, residue mobility, and thermodynamic stability) indicates that this missense variant is expected to disrupt PAH protein function with a positive predictive value of 80%. This variant disrupts the p.Gly289 amino acid residue in PAH. Other variant(s) that disrupt this residue have been determined to be pathogenic (PMID: 22333022, 23514811; internal data). This suggests that this residue is clinically significant, and that variants that disrupt this residue are likely to be disease-causing. For these reasons, this variant has been classified as Pathogenic.

Literature cited by the submitters: PubMed 22333022; PubMed 23514811.